The following is an entry in ClinVar:

NM_000257.4(MYH7):c.1433T>A (p.Ile478Asn)

Gene: MYH7 (myosin heavy chain 7; minus strand). Cytogenetic location: 14q11.2.
Variant type: single nucleotide variant.
Coding change: c.1433T>A on transcript NM_000257.4 (MANE Select); coding-DNA position 1433, T replaced by A.
Protein change: p.Ile478Asn; replaces isoleucine 478 with asparagine.
Molecular consequence: missense variant.
Genome position (GRCh38, 1-based): chr14:23,428,645, A>T on the plus strand (T>A on the coding strand, the complement: MYH7 is on the minus strand). VCF-style: chr14-23428645-A-T. GRCh37 (hg19) VCF-style: chr14-23897854-A-T.
Other names: c.1433T>A, p.Ile478Asn (NM_001407004.1); short protein forms I478N.
Identifiers: ClinVar variation 3721472 (VCV003721472.2).

ClinVar aggregate classification (germline): Uncertain significance (1 of 4 stars; one submission).

Conditions:
Hypertrophic cardiomyopathy. Also called: HYPERTROPHIC MYOCARDIOPATHY. Identifiers: Orphanet 217569, MedGen C0007194, MeSH D002312, MONDO:0005045, HP:0001639.

gnomAD v4.1: 1 of 1,614,130 alleles (0.000062%); highest among the groups gnomAD compares: Non-Finnish European, 0.000085%; no homozygotes.

Submission:

Labcorp Genetics (formerly Invitae), Labcorp
Classification: Uncertain significance for Hypertrophic cardiomyopathy. Last evaluated: 2025-04-08. Review status: criteria provided, single submitter. Criteria: Invitae Variant Classification Sherloc (09022015). Collection method: clinical testing. Allele origin: germline.
Comment: This sequence change replaces isoleucine, which is neutral and non-polar, with asparagine, which is neutral and polar, at codon 478 of the MYH7 protein (p.Ile478Asn). This variant is not present in population databases (gnomAD no frequency). This missense change has been observed in individual(s) with hypertrophic cardiomyopathy (PMID: 25351510, 27532257, 32731933, 37652022). ClinVar contains an entry for this variant (Variation ID: 3721472). Invitae Evidence Modeling of protein sequence and biophysical properties (such as structural, functional, and spatial information, amino acid conservation, physicochemical variation, residue mobility, and thermodynamic stability) indicates that this missense variant is expected to disrupt MYH7 protein function with a positive predictive value of 95%. In summary, the available evidence is currently insufficient to determine the role of this variant in disease. Therefore, it has been classified as a Variant of Uncertain Significance.

Literature cited by the submitters: PubMed 25351510; PubMed 27532257; PubMed 32731933; PubMed 37652022.